The following is an entry in ClinVar:

NM_005252.4(FOS):c.463C>T (p.Arg155Cys)

Gene: FOS (Fos proto-oncogene, AP-1 transcription factor subunit; plus strand). Cytogenetic location: 14q24.3.
Variant type: single nucleotide variant.
Coding change: c.463C>T on transcript NM_005252.4 (MANE Select); coding-DNA position 463, C replaced by T.
Protein change: p.Arg155Cys; replaces arginine 155 with cysteine.
Molecular consequence: missense variant.
Genome position (GRCh38, 1-based): chr14:75,280,629, C>T. VCF-style: chr14-75280629-C-T. GRCh37 (hg19) VCF-style: chr14-75747332-C-T.
Other names: short protein forms R155C.
Identifiers: ClinVar variation 4526463 (VCV004526463.1).
Genomic context (GRCh38, chr14:75,280,629, plus strand): 5'-GAAGAAGAAGAGAAAAGGAGAATCCGAAGGGAAAGGAATAAGATGGCTGCAGCCAAATGC[C>T]GCAACCGGAGGAGGGAGCTGACTGATACACTCCAAGCGGTAGGTACTCTGTGGGTTGCTC-3'
Protein context (NP_005243.1, residues 145-165): ERNKMAAAKC[Arg155Cys]NRRRELTDTL

ClinVar aggregate classification (germline): Likely pathogenic (1 of 4 stars; one submission).

Conditions:
Osteopetrosis. Identifiers: Orphanet 2781, MedGen C0029454, MONDO:0017198, HP:0011002.

Submission:

Akbar Amirfiroozy Research Group, Tabriz University of Medical Sciences
Classification: Likely pathogenic for Osteopetrosis. Review status: criteria provided, single submitter. Criteria: ACMG Guidelines, 2015. Collection method: research. Allele origin: germline. Inheritance: Autosomal recessive inheritance. Affected: yes. Observed: 1 homozygote.
Comment: The variant NM_005252.4:c.463C>T (p.Arg155Cys) in FOS is classified as Likely Pathogenic based on ACMG 2015 criteria: PS3 (functional evidence in mouse models), PM2 (absent from population databases), PP1 (segregation with disease), and PP3 (in silico deleterious predictions). This classification is supported by the observed phenotype and the absence of variants in 28 known osteopetrosis genes.